The following is an entry in ClinVar:

NM_153490.3(KRT13):c.844G>A (p.Glu282Lys)

Gene: KRT13 (keratin 13; minus strand). Cytogenetic location: 17q21.2.
Variant type: single nucleotide variant.
Coding change: c.844G>A on transcript NM_153490.3 (MANE Select); coding-DNA position 844, G replaced by A.
Protein change: p.Glu282Lys; replaces glutamic acid 282 with lysine.
Molecular consequence: missense variant.
Genome position (GRCh38, 1-based): chr17:41,502,990, C>T on the plus strand (G>A on the coding strand, the complement: KRT13 is on the minus strand). VCF-style: chr17-41502990-C-T. GRCh37 (hg19) VCF-style: chr17-39659242-C-T.
Other names: c.844G>A, p.Glu282Lys (NM_002274.4); short protein forms E282K.
Identifiers: ClinVar variation 323086 (VCV000323086.8), dbSNP rs202057977, ClinGen allele CA8560629.

ClinVar aggregate classification (germline): Conflicting classifications of pathogenicity. Review status: criteria provided, conflicting classifications (1 of 4 stars). 2 submissions from 2 submitters: Uncertain significance (1); Likely benign (1). Last evaluated 2025-08-27.

Conditions:
White sponge nevus 2 (WSN2). Identifiers: MedGen C4014321, MONDO:0014346, OMIM 615785.
Inborn genetic diseases. Identifiers: MedGen C0950123, MeSH D030342.

Allele frequency attached by ClinVar (database versions not stated): gnomAD exomes 0.00001 and 0.00002; ExAC 0.00002; TOPMed 0.00002.
gnomAD v4.1: 23 of 1,614,220 alleles (0.0014%); highest among the groups gnomAD compares: Non-Finnish European, 0.0019%; no homozygotes.

Submissions (2):

Ambry Genetics
Classification: Uncertain significance for Inborn genetic diseases. Last evaluated: 2025-08-27. Review status: criteria provided, single submitter. Criteria: Ambry Variant Classification Scheme 2023. Collection method: clinical testing. Allele origin: germline.

Illumina Laboratory Services, Illumina
Classification: Likely benign for White sponge nevus 2. Last evaluated: 2018-01-12. Review status: criteria provided, single submitter. Criteria: ICSL Variant Classification Criteria 13 December 2019. Collection method: clinical testing. Allele origin: germline.
Comment: This variant was observed in the ICSL laboratory as part of a predisposition screen in an ostensibly healthy population. It had not been previously curated by ICSL or reported in the Human Gene Mutation Database (HGMD: prior to June 1st, 2018), and was therefore a candidate for classification through an automated scoring system. Utilizing variant allele frequency, disease prevalence and penetrance estimates, and inheritance mode, an automated score was calculated to assess if this variant is too frequent to cause the disease. Based on the score and internal cut-off values, a variant classified as likely benign is not then subjected to further curation. The score for this variant resulted in a classification of likely benign for this disease.